The following is an entry in ClinVar:

NM_032520.5(GNPTG):c.421G>A (p.Ala141Thr)

Gene: GNPTG (N-acetylglucosamine-1-phosphate transferase subunit gamma; plus strand). Cytogenetic location: 16p13.3.
Variant type: single nucleotide variant.
Coding change: c.421G>A on transcript NM_032520.5 (MANE Select); coding-DNA position 421, G replaced by A.
Protein change: p.Ala141Thr; replaces alanine 141 with threonine.
Molecular consequence: missense variant.
Genome position (GRCh38, 1-based): chr16:1,362,215, G>A. VCF-style: chr16-1362215-G-A. GRCh37 (hg19) VCF-style: chr16-1412216-G-A.
Other names: short protein forms A141T.
Identifiers: ClinVar variation 1027011 (VCV001027011.8), dbSNP rs2034904624, ClinGen allele CA394187610.
Genomic context (GRCh38, chr16:1,362,215, plus strand): 5'-GGAAGAGGGGCCCCAGTCTCCCCAACCCACCTACCCACGTTCCCTCCCCAGGTGGAGCTG[G>A]CGTGTGGAAAAAGCAACCGGCTGGCCCATGTGTCCGAGCCGAGCACCTGCGTCTACGCGC-3'
Protein context (NP_115909.1, residues 131-151): SRSRQSKVEL[Ala141Thr]CGKSNRLAHV

ClinVar aggregate classification (germline): Uncertain significance. Review status: criteria provided, single submitter (1 of 4 stars). 2 submissions from 2 submitters: Uncertain significance (1). 1 of the submissions does not count toward it. Last evaluated 2022-11-01.

Conditions:
GNPTG-mucolipidosis. Also called: Mucolipidosis type III gamma; MUCOLIPIDOSIS III, COMPLEMENTATION GROUP C; MUCOLIPIDOSIS III, IRANIAN VARIANT FORM; MUCOLIPIDOSIS III, VARIANT FORM; ML III GAMMA; ML IIIC. Identifiers: Orphanet 423470, Orphanet 577, MedGen C1854896, MONDO:0009652, OMIM 252605.

Submissions (2):

Labcorp Genetics (formerly Invitae), Labcorp
Classification: Uncertain significance. Last evaluated: 2022-11-01. Review status: criteria provided, single submitter. Criteria: Invitae Variant Classification Sherloc (09022015). Collection method: clinical testing. Allele origin: germline.
Comment: ClinVar contains an entry for this variant (Variation ID: 1027011). In summary, the available evidence is currently insufficient to determine the role of this variant in disease. Therefore, it has been classified as a Variant of Uncertain Significance. Advanced modeling of protein sequence and biophysical properties (such as structural, functional, and spatial information, amino acid conservation, physicochemical variation, residue mobility, and thermodynamic stability) performed at Invitae indicates that this missense variant is not expected to disrupt GNPTG protein function. This variant has not been reported in the literature in individuals affected with GNPTG-related conditions. This variant is not present in population databases (gnomAD no frequency). This sequence change replaces alanine, which is neutral and non-polar, with threonine, which is neutral and polar, at codon 141 of the GNPTG protein (p.Ala141Thr).

Natera, Inc.
Classification: Uncertain significance for Mucolipidosis III gamma. Last evaluated: 2020-08-15. Review status: no assertion criteria provided. Collection method: clinical testing. Allele origin: germline. Not counted in ClinVar's aggregate classification.